The following is an entry in ClinVar:

ClinVar aggregate classification (germline): Uncertain significance (1 of 4 stars; one submission).

Allele frequency attached by ClinVar (database versions not stated): gnomAD 0.00001.

Submission:

Labcorp Genetics (formerly Invitae), Labcorp
Classification: Uncertain significance. Last evaluated: 2023-12-30. Review status: criteria provided, single submitter. Criteria: Invitae Variant Classification Sherloc (09022015). Collection method: clinical testing. Allele origin: germline.
Comment: This sequence change replaces alanine, which is neutral and non-polar, with threonine, which is neutral and polar, at codon 28 of the GNMT protein (p.Ala28Thr). This variant is not present in population databases (gnomAD no frequency). This variant has not been reported in the literature in individuals affected with GNMT-related conditions. Advanced modeling of protein sequence and biophysical properties (such as structural, functional, and spatial information, amino acid conservation, physicochemical variation, residue mobility, and thermodynamic stability) performed at Invitae indicates that this missense variant is not expected to disrupt GNMT protein function with a negative predictive value of 80%. In summary, the available evidence is currently insufficient to determine the role of this variant in disease. Therefore, it has been classified as a Variant of Uncertain Significance.

NM_018960.6(GNMT):c.82G>A (p.Ala28Thr)

Genes: CNPY3-GNMT (CNPY3-GNMT readthrough; plus strand), GNMT (glycine N-methyltransferase; plus strand). Cytogenetic location: 6p21.1.
Variant type: single nucleotide variant.
Coding change: c.82G>A on transcript NM_018960.6 (MANE Select); coding-DNA position 82, G replaced by A.
Protein change: p.Ala28Thr; replaces alanine 28 with threonine.
Molecular consequence: missense variant. On other transcripts: non-coding transcript variant (1), intron variant (3).
Genome position (GRCh38, 1-based): chr6:42,960,849, G>A. VCF-style: chr6-42960849-G-A. GRCh37 (hg19) VCF-style: chr6-42928587-G-A.
Other names: c.82G>A, p.Ala28Thr (NM_001318865.2); c.9-1363G>A (NM_001318856.2); c.152-1913G>A (NM_001318857.2, NM_001318858.2); short protein forms A28T.
Identifiers: ClinVar variation 2819726 (VCV002819726.3), dbSNP rs946310687, ClinGen allele CA364143292.